The following is an entry in ClinVar:

NM_000051.4(ATM):c.8705C>G (p.Thr2902Ser)

Genes: ATM (ATM serine/threonine kinase; plus strand), C11orf65 (chromosome 11 open reading frame 65; minus strand). Cytogenetic location: 11q22.3.
Variant type: single nucleotide variant.
Coding change: c.8705C>G on transcript NM_000051.4 (MANE Select); coding-DNA position 8705, C replaced by G.
Protein change: p.Thr2902Ser; replaces threonine 2902 with serine.
Molecular consequence: missense variant. On other transcripts: intron variant (2).
Genome position (GRCh38, 1-based): chr11:108,353,799, C>G. VCF-style: chr11-108353799-C-G. GRCh37 (hg19) VCF-style: chr11-108224526-C-G.
Other names: c.8705C>G, p.Thr2902Ser (NM_001351834.2); c.640+32121G>C (NM_001330368.2); c.695-18507G>C (NM_001351110.2); short protein forms T2902S.
Identifiers: ClinVar variation 921531 (VCV000921531.5), dbSNP rs1591306636, ClinGen allele CA382523723.

ClinVar aggregate classification (germline): Uncertain significance (1 of 4 stars; one submission).

Conditions:
Hereditary cancer-predisposing syndrome. Also called: Tumor predisposition; Neoplastic Syndromes, Hereditary; Hereditary neoplastic syndrome; Hereditary Cancer Syndrome. Identifiers: Orphanet 140162, MedGen C0027672, MeSH D009386, MONDO:0015356.

Submission:

Color Diagnostics, LLC DBA Color Health
Classification: Uncertain significance for Hereditary cancer-predisposing syndrome. Last evaluated: 2024-03-07. Review status: criteria provided, single submitter. Criteria: ACMG Guidelines, 2015. Collection method: clinical testing. Allele origin: germline.
Comment: This missense variant replaces threonine with serine at codon 2902 of the ATM protein. Computational prediction suggests that this variant may not impact protein structure and function (internally defined REVEL score threshold <= 0.5, PMID: 27666373). Splice site prediction tools suggest that this variant may not impact RNA splicing. To our knowledge, functional studies have not been performed for this variant. This variant has not been reported in individuals affected with hereditary cancer in the literature. This variant has not been identified in the general population by the Genome Aggregation Database (gnomAD). The available evidence is insufficient to determine the role of this variant in disease conclusively. Therefore, this variant is classified as a Variant of Uncertain Significance.